The following is an entry in ClinVar:

ClinVar aggregate classification (germline): Uncertain significance (1 of 4 stars; one submission).

Conditions:
Cardiovascular phenotype. Identifiers: MedGen CN230736.

Allele frequency attached by ClinVar (database versions not stated): TOPMed below 0.00001; ExAC 0.00006.
gnomAD v4.1: 12 of 1,613,662 alleles (0.00074%); highest among the groups gnomAD compares: Admixed American, 0.017%; no homozygotes.

Submission:

Ambry Genetics
Classification: Uncertain significance for Cardiovascular phenotype. Last evaluated: 2024-01-17. Review status: criteria provided, single submitter. Criteria: Ambry Variant Classification Scheme 2023. Collection method: clinical testing. Allele origin: germline.
Comment: The p.D1200N variant (also known as c.3598G>A), located in coding exon 23 of the SOS1 gene, results from a G to A substitution at nucleotide position 3598. The aspartic acid at codon 1200 is replaced by asparagine, an amino acid with highly similar properties. This amino acid position is conserved. In addition, this alteration is predicted to be tolerated by in silico analysis. Based on the available evidence, the clinical significance of this alteration remains unclear.

NM_005633.4(SOS1):c.3598G>A (p.Asp1200Asn)

Gene: SOS1 (SOS Ras/Rac guanine nucleotide exchange factor 1; minus strand). Cytogenetic location: 2p22.1.
Variant type: single nucleotide variant.
Coding change: c.3598G>A on transcript NM_005633.4 (MANE Select); coding-DNA position 3598, G replaced by A.
Protein change: p.Asp1200Asn; replaces aspartic acid 1200 with asparagine.
Molecular consequence: missense variant.
Genome position (GRCh38, 1-based): chr2:38,986,228, C>T on the plus strand (G>A on the coding strand, the complement: SOS1 is on the minus strand). VCF-style: chr2-38986228-C-T. GRCh37 (hg19) VCF-style: chr2-39213369-C-T.
Other names: c.3577G>A, p.Asp1193Asn (NM_001382394.1); c.3553G>A, p.Asp1185Asn (NM_001382395.1); short protein forms D1185N, D1193N, D1200N.
Identifiers: ClinVar variation 3224894 (VCV003224894.1), dbSNP rs756728233, ClinGen allele CA1624143.